The following is an entry in ClinVar:

NM_017671.5(FERMT1):c.1812G>A (p.Trp604Ter)

Gene: FERMT1 (FERM domain containing kindlin 1; minus strand). Cytogenetic location: 20p12.3.
Variant type: single nucleotide variant.
Coding change: c.1812G>A on transcript NM_017671.5 (MANE Select); coding-DNA position 1812, G replaced by A.
Protein change: p.Trp604Ter; replaces tryptophan 604 with a stop codon.
Molecular consequence: nonsense.
Genome position (GRCh38, 1-based): chr20:6,079,484, C>T on the plus strand (G>A on the coding strand, the complement: FERMT1 is on the minus strand). VCF-style: chr20-6079484-C-T. GRCh37 (hg19) VCF-style: chr20-6060131-C-T.
Other names: short protein forms W604*.
Identifiers: ClinVar variation 449019 (VCV000449019.4), dbSNP rs1172664527, ClinGen allele CA408176270.

ClinVar aggregate classification (germline): Likely pathogenic (1 of 4 stars; one submission).

Allele frequency attached by ClinVar (database versions not stated): TOPMed 0.00001; gnomAD exomes below 0.00001.
gnomAD v4.1: 1 of 1,614,048 alleles (0.000062%); highest among the groups gnomAD compares: Admixed American, 0.0017%; no homozygotes.

Submission:

GeneDx
Classification: Likely pathogenic. Last evaluated: 2017-07-14. Review status: criteria provided, single submitter. Criteria: GeneDx Variant Classification (06012015). Collection method: clinical testing. Allele origin: germline. Affected: yes.
Comment: The W604X variant in the FERMT1 gene has been reported previously with another FERMT1 variant in an individual with features suggestive of Kindler syndrome, but it is unclear if the two variants were on the same FERMT1 allele (in cis) or on opposite alleles (in trans) (Takeichi et al., 2015). This variant is predicted to cause loss of normal protein function through protein truncation. The W604X variant is not observed in large population cohorts (Lek et al., 2016; 1000 Genomes Consortium et al., 2015; Exome Variant Server). We interpret W604X as a likely pathogenic variant.